The following is an entry in ClinVar:

ClinVar aggregate classification (germline): Uncertain significance (1 of 4 stars; one submission).

Conditions:
Joubert syndrome. Also called: CEREBELLOPARENCHYMAL DISORDER IV; JOUBERT-BOLTSHAUSER SYNDROME; Familial aplasia of the vermis. Identifiers: Orphanet 475, MedGen C5979921, MONDO:0018772.
Meckel-Gruber syndrome. Also called: DYSENCEPHALIA SPLANCHNOCYSTICA; GRUBER SYNDROME; Dysencephalia splachnocystica. Identifiers: Orphanet 564, MedGen C0265215, MONDO:0018921.

Submission:

Labcorp Genetics (formerly Invitae), Labcorp
Classification: Uncertain significance for Joubert syndrome; Meckel-Gruber syndrome. Last evaluated: 2022-08-07. Review status: criteria provided, single submitter. Criteria: Invitae Variant Classification Sherloc (09022015). Collection method: clinical testing. Allele origin: germline.
Comment: Algorithms developed to predict the effect of sequence changes on RNA splicing suggest that this variant may create or strengthen a splice site. In summary, the available evidence is currently insufficient to determine the role of this variant in disease. Therefore, it has been classified as a Variant of Uncertain Significance. This variant has not been reported in the literature in individuals affected with MKS1-related conditions. This variant is not present in population databases (gnomAD no frequency). This sequence change affects codon 20 of the MKS1 mRNA. It is a 'silent' change, meaning that it does not change the encoded amino acid sequence of the MKS1 protein.

NM_017777.4(MKS1):c.60C>T (p.Pro20=)

Genes: MKS1 (MKS transition zone complex subunit 1; minus strand), LOC130061271 (ATAC-STARR-seq lymphoblastoid active region 12461; plus strand). Cytogenetic location: 17q22.
Variant type: single nucleotide variant.
Coding change: c.60C>T on transcript NM_017777.4 (MANE Select); coding-DNA position 60, C replaced by T.
Protein change: p.Pro20=; no amino-acid change (proline 20 retained).
Molecular consequence: synonymous variant. On other transcripts: 5 prime UTR variant (1).
Genome position (GRCh38, 1-based): chr17:58,219,171, G>A on the plus strand (C>T on the coding strand, the complement: MKS1 is on the minus strand). VCF-style: chr17-58219171-G-A. GRCh37 (hg19) VCF-style: chr17-56296532-G-A.
Other names: c.-452C>T (NM_001321268.2); c.60C>T, p.Pro20= (NM_001321269.2, NM_001330397.2, NM_001411113.1).
Identifiers: ClinVar variation 2152444 (VCV002152444.4), dbSNP rs1451699674, ClinGen allele CA501038403.
Genomic context (GRCh38, chr17:58,219,171, plus strand): 5'-ACAAAAGCATGGGGCCTCGGGGCTGGGGCGGTGCGACTACCGGAGGCGCAAGTTGCGCAC[G>A]GGGTCCCGGGAGCGATACACTGCCTCCCCGGTGTCAGTGCTCCAGACGGTCTCCGCCATG-3'
Protein context (NP_060247.2, residues 10-30): TGEAVYRSRD[Pro20=]VRNLRLRVHL